The following is an entry in ClinVar:

NM_001195263.2(PDZD7):c.2551G>A (p.Ala851Thr)

Gene: PDZD7 (PDZ domain containing 7; minus strand). Cytogenetic location: 10q24.31.
Variant type: single nucleotide variant.
Coding change: c.2551G>A on transcript NM_001195263.2 (MANE Select); coding-DNA position 2551, G replaced by A.
Protein change: p.Ala851Thr; replaces alanine 851 with threonine.
Molecular consequence: missense variant.
Genome position (GRCh38, 1-based): chr10:101,010,338, C>T on the plus strand (G>A on the coding strand, the complement: PDZD7 is on the minus strand). VCF-style: chr10-101010338-C-T. GRCh37 (hg19) VCF-style: chr10-102770095-C-T.
Other names: short protein forms A851T.
Identifiers: ClinVar variation 1053648 (VCV001053648.10), dbSNP rs1424828949, ClinGen allele CA378223879.

ClinVar aggregate classification (germline): Uncertain significance (1 of 4 stars; one submission).

Submission:

Labcorp Genetics (formerly Invitae), Labcorp
Classification: Uncertain significance. Last evaluated: 2022-07-12. Review status: criteria provided, single submitter. Criteria: Invitae Variant Classification Sherloc (09022015). Collection method: clinical testing. Allele origin: germline.
Comment: In summary, the available evidence is currently insufficient to determine the role of this variant in disease. Therefore, it has been classified as a Variant of Uncertain Significance. This sequence change replaces alanine, which is neutral and non-polar, with threonine, which is neutral and polar, at codon 851 of the PDZD7 protein (p.Ala851Thr). This variant is not present in population databases (gnomAD no frequency). This variant has not been reported in the literature in individuals affected with PDZD7-related conditions. ClinVar contains an entry for this variant (Variation ID: 1053648). Algorithms developed to predict the effect of missense changes on protein structure and function output the following: SIFT: "Tolerated"; PolyPhen-2: "Not Available"; Align-GVGD: "Class C0". The threonine amino acid residue is found in multiple mammalian species, which suggests that this missense change does not adversely affect protein function.